The following is an entry in ClinVar:

ClinVar aggregate classification (germline): Uncertain significance. Review status: criteria provided, multiple submitters, no conflicts (2 of 4 stars). 3 submissions from 3 submitters: Uncertain significance (3). Last evaluated 2025-08-14.

Conditions:
Hereditary cancer-predisposing syndrome. Also called: Hereditary Cancer Syndrome; Neoplastic Syndromes, Hereditary; Hereditary neoplastic syndrome; Tumor predisposition. Identifiers: Orphanet 140162, MedGen C0027672, MeSH D009386, MONDO:0015356.
Juvenile polyposis syndrome (JPS). Identifiers: Orphanet 2929, MedGen C0345893, MONDO:0017380, OMIM 174900.

Allele frequency attached by ClinVar (database versions not stated): gnomAD exomes 0.00001.
gnomAD v4.1: 3 of 1,613,438 alleles (0.00019%); highest among the groups gnomAD compares: Admixed American, 0.005%; no homozygotes.

Submissions (3):

Color Diagnostics, LLC DBA Color Health
Classification: Uncertain significance for Hereditary cancer-predisposing syndrome. Last evaluated: 2025-08-14. Review status: criteria provided, single submitter. Criteria: ACMG Guidelines, 2015. Collection method: clinical testing. Allele origin: germline.
Comment: This missense variant replaces histidine with glutamine at codon 31 of the BMPR1A protein. Computational prediction suggests that this variant may not impact protein structure and function. To our knowledge, functional studies have not been reported for this variant. This variant has not been reported in individuals affected with BMPR1A-related disorders in the literature. This variant has been identified in 3/251328 chromosomes in the general population by the Genome Aggregation Database (gnomAD). The available evidence is insufficient to determine the role of this variant in disease conclusively. Therefore, this variant is classified as a Variant of Uncertain Significance.

Labcorp Genetics (formerly Invitae), Labcorp
Classification: Uncertain significance for Juvenile polyposis syndrome. Last evaluated: 2019-04-09. Review status: criteria provided, single submitter. Criteria: Invitae Variant Classification Sherloc (09022015). Collection method: clinical testing. Allele origin: germline.
Comment: In summary, the available evidence is currently insufficient to determine the role of this variant in disease. Therefore, it has been classified as a Variant of Uncertain Significance. Algorithms developed to predict the effect of missense changes on protein structure and function (SIFT, PolyPhen-2, Align-GVGD) all suggest that this variant is likely to be tolerated, but these predictions have not been confirmed by published functional studies and their clinical significance is uncertain. This variant has not been reported in the literature in individuals with BMPR1A-related conditions. This variant is not present in population databases (ExAC no frequency). This sequence change replaces histidine with glutamine at codon 31 of the BMPR1A protein (p.His31Gln). The histidine residue is moderately conserved and there is a small physicochemical difference between histidine and glutamine.

Ambry Genetics
Classification: Uncertain significance for Hereditary cancer-predisposing syndrome. Last evaluated: 2018-05-30. Review status: criteria provided, single submitter. Criteria: Ambry Variant Classification Scheme 2023. Collection method: clinical testing. Allele origin: germline.
Comment: The p.H31Q variant (also known as c.93T>A), located in coding exon 2 of the BMPR1A gene, results from a T to A substitution at nucleotide position 93. The histidine at codon 31 is replaced by glutamine, an amino acid with highly similar properties. This amino acid position is well conserved in available vertebrate species. In addition, this alteration is predicted to be tolerated by in silico analysis. Since supporting evidence is limited at this time, the clinical significance of this alteration remains unclear.

NM_004329.3(BMPR1A):c.93T>A (p.His31Gln)

Gene: BMPR1A (bone morphogenetic protein receptor type 1A; plus strand). Cytogenetic location: 10q23.2.
Variant type: single nucleotide variant.
Coding change: c.93T>A on transcript NM_004329.3 (MANE Select); coding-DNA position 93, T replaced by A.
Protein change: p.His31Gln; replaces histidine 31 with glutamine.
Molecular consequence: missense variant.
Genome position (GRCh38, 1-based): chr10:86,890,087, T>A. VCF-style: chr10-86890087-T-A. GRCh37 (hg19) VCF-style: chr10-88649844-T-A.
Other names: short protein forms H31Q.
Identifiers: ClinVar variation 823219 (VCV000823219.14), dbSNP rs1461705514, ClinGen allele CA377446325.
Genomic context (GRCh38, chr10:86,890,087, plus strand): 5'-AATGATTTACTTACAAATTCCATATTTGAATGCAGGACAGAATCTGGATAGTATGCTTCA[T>A]GGCACTGGGATGAAATCAGACTCCGACCAGAAAAAGTCAGAAAATGGAGTAACCTTAGCA-3'
Protein context (NP_004320.2, residues 21-41): VQGQNLDSML[His31Gln]GTGMKSDSDQ